The following is an entry in ClinVar:

NM_000210.4(ITGA6):c.1660_1661del (p.Leu554fs)

Genes: ITGA6 (integrin subunit alpha 6; plus strand), PDK1-AS1 (PDK1 and ITGA6 antisense RNA 1; minus strand). Cytogenetic location: 2q31.1.
Variant type: Microsatellite.
Coding change: c.1660_1661del on transcript NM_000210.4 (MANE Select); coding-DNA positions 1660 to 1661, 2 bases deleted (CT; older notation c.1660_1661delCT).
Protein change: p.Leu554fs; shifts the reading frame from leucine 554.
Molecular consequence: frameshift variant.
Genome position (GRCh38, 1-based): chr2:172,484,892-172,484,893, CT deleted; deleting any 2 consecutive bases within chr2:172,484,890-172,484,893 gives the same sequence; the c. name uses the placement nearest the transcript's 3' end. VCF-style (leftmost placement, unchanged base first): chr2-172484889-ACT-A. GRCh37 (hg19) VCF-style: chr2-173349617-ACT-A.
Other names: c.1660_1661del, p.Leu554fs (NM_001079818.3, NM_001365529.2, NM_001365530.2); c.1303_1304del, p.Leu435fs (NM_001316306.2); c.1777_1778del, p.Leu593fs (NM_001394928.1); short protein forms L593fs, L554fs, L435fs.
Identifiers: ClinVar variation 3646132 (VCV003646132.2).

ClinVar aggregate classification (germline): Pathogenic (1 of 4 stars; one submission).

Submission:

Labcorp Genetics (formerly Invitae), Labcorp
Classification: Pathogenic. Last evaluated: 2024-03-16. Review status: criteria provided, single submitter. Criteria: Invitae Variant Classification Sherloc (09022015). Collection method: clinical testing. Allele origin: germline.
Comment: This sequence change creates a premature translational stop signal (p.Leu554Glufs*18) in the ITGA6 gene. It is expected to result in an absent or disrupted protein product. Loss-of-function variants in ITGA6 are known to be pathogenic (PMID: 9158140, 9185503, 9804362, 27607025). This variant is not present in population databases (gnomAD no frequency). This variant has not been reported in the literature in individuals affected with ITGA6-related conditions. For these reasons, this variant has been classified as Pathogenic.

Literature cited by the submitters: PubMed 9158140; PubMed 9185503; PubMed 9804362; PubMed 27607025.